The following is an entry in ClinVar:

ClinVar aggregate classification (germline): Uncertain significance (1 of 4 stars; one submission).

Conditions:
CHD1-related disorder. Also called: CHD1-related condition.

Submission:

PreventionGenetics, part of Exact Sciences
Classification: Uncertain significance for CHD1-related condition. Last evaluated: 2025-07-08. Review status: criteria provided, single submitter. Criteria: ACMG Guidelines, 2015. Collection method: clinical testing. Allele origin: germline.
Comment: The CHD1 c.1426C>T variant is predicted to result in the amino acid substitution p.His476Tyr. To our knowledge, this variant has not been reported in the literature or in a large population database (gnomAD), indicating this variant is rare. At this time, the clinical significance of this variant is uncertain due to the absence of conclusive functional and genetic evidence.

NM_001270.4(CHD1):c.1426C>T (p.His476Tyr)

Gene: CHD1 (chromodomain helicase DNA binding protein 1; minus strand). Cytogenetic location: 5q15.
Variant type: single nucleotide variant.
Coding change: c.1426C>T on transcript NM_001270.4 (MANE Select); coding-DNA position 1426, C replaced by T.
Protein change: p.His476Tyr; replaces histidine 476 with tyrosine.
Molecular consequence: missense variant. On other transcripts: non-coding transcript variant (2).
Genome position (GRCh38, 1-based): chr5:98,897,260, G>A on the plus strand (C>T on the coding strand, the complement: CHD1 is on the minus strand). VCF-style: chr5-98897260-G-A. GRCh37 (hg19) VCF-style: chr5-98232964-G-A.
Other names: c.1426C>T, p.His476Tyr (NM_001364113.3, NM_001376194.2); short protein forms H476Y.
Identifiers: ClinVar variation 2629911 (VCV002629911.2), dbSNP rs2479681445, ClinGen allele CA360519043.